The following is an entry in ClinVar:

NM_000593.6(TAP1):c.1036G>C (p.Gly346Arg)

Gene: TAP1 (transporter 1, ATP binding cassette subfamily B member; minus strand). Cytogenetic location: 6p21.32.
Variant type: single nucleotide variant.
Coding change: c.1036G>C on transcript NM_000593.6 (MANE Select); coding-DNA position 1036, G replaced by C.
Protein change: p.Gly346Arg; replaces glycine 346 with arginine.
Molecular consequence: missense variant.
Genome position (GRCh38, 1-based): chr6:32,850,958, C>G on the plus strand (G>C on the coding strand, the complement: TAP1 is on the minus strand). VCF-style: chr6-32850958-C-G. GRCh37 (hg19) VCF-style: chr6-32818735-C-G.
Other names: c.433G>C, p.Gly145Arg (NM_001292022.2); short protein forms G145R, G406R, G346R.
Identifiers: ClinVar variation 858052 (VCV000858052.9), dbSNP rs1383698129, ClinGen allele CA363592880.

ClinVar aggregate classification (germline): Uncertain significance (1 of 4 stars; one submission).

Conditions:
MHC class I deficiency. Identifiers: Orphanet 34592, MedGen C6024714, MONDO:0011476.

Allele frequency attached by ClinVar (database versions not stated): TOPMed 0.00001; gnomAD exomes below 0.00001; gnomAD 0.00001.
gnomAD v4.1: 7 of 1,612,652 alleles (0.00043%); highest among the groups gnomAD compares: Non-Finnish European, 0.00051%; no homozygotes.

Submission:

Labcorp Genetics (formerly Invitae), Labcorp
Classification: Uncertain significance for MHC class I deficiency 1. Last evaluated: 2022-03-19. Review status: criteria provided, single submitter. Criteria: Invitae Variant Classification Sherloc (09022015). Collection method: clinical testing. Allele origin: germline.
Comment: In summary, the available evidence is currently insufficient to determine the role of this variant in disease. Therefore, it has been classified as a Variant of Uncertain Significance. Algorithms developed to predict the effect of missense changes on protein structure and function are either unavailable or do not agree on the potential impact of this missense change (SIFT: "Deleterious"; PolyPhen-2: "Probably Damaging"; Align-GVGD: "Class C0"). ClinVar contains an entry for this variant (Variation ID: 858052). This variant has not been reported in the literature in individuals affected with TAP1-related conditions. This variant is present in population databases (no rsID available, gnomAD 0.0009%). This sequence change replaces glycine, which is neutral and non-polar, with arginine, which is basic and polar, at codon 406 of the TAP1 protein (p.Gly406Arg).